The following is an entry in ClinVar:

NM_004006.3(DMD):c.666dup (p.Pro223fs)

Gene: DMD (dystrophin; minus strand). Cytogenetic location: Xp21.1.
Variant type: Duplication.
Coding change: c.666dup on transcript NM_004006.3 (MANE Select); coding-DNA position 666, one base duplicated (T; older notation c.666dupT).
Protein change: p.Pro223fs; shifts the reading frame from proline 223.
Molecular consequence: frameshift variant.
Genome position (GRCh38, 1-based): chrX:32,699,277, A duplicated on the plus strand (T on the coding strand, the reverse complement: DMD is on the minus strand). VCF-style (leftmost placement, unchanged base first): chrX-32699276-G-GA. GRCh37 (hg19) VCF-style: chrX-32717393-G-GA.
Other names: c.642dup, p.Pro215fs (NM_000109.4); c.654dup, p.Pro219fs (NM_004009.3); c.297dup, p.Pro100fs (NM_004010.3); short protein forms P219fs, P223fs, P100fs, P215fs.
Identifiers: ClinVar variation 2761606 (VCV002761606.3), dbSNP rs2521198322, ClinGen allele CA2697553011.

ClinVar aggregate classification (germline): Pathogenic (1 of 4 stars; one submission).

Conditions:
Duchenne muscular dystrophy (DMD). Also called: MUSCULAR DYSTROPHY, PSEUDOHYPERTROPHIC PROGRESSIVE, DUCHENNE TYPE; Duchenne Muscular Dystrophy (DMD). Identifiers: Orphanet 98896, MedGen C0013264, MONDO:0010679, OMIM 310200.

Submission:

Labcorp Genetics (formerly Invitae), Labcorp
Classification: Pathogenic for Duchenne muscular dystrophy. Last evaluated: 2023-09-19. Review status: criteria provided, single submitter. Criteria: Invitae Variant Classification Sherloc (09022015). Collection method: clinical testing. Allele origin: germline.
Comment: Algorithms developed to predict the effect of sequence changes on RNA splicing suggest that this variant may create or strengthen a splice site. For these reasons, this variant has been classified as Pathogenic. This variant has not been reported in the literature in individuals affected with DMD-related conditions. This variant is not present in population databases (gnomAD no frequency). This sequence change creates a premature translational stop signal (p.Pro223Serfs*3) in the DMD gene. It is expected to result in an absent or disrupted protein product. Loss-of-function variants in DMD are known to be pathogenic (PMID: 16770791, 25007885).

Literature cited by the submitters: PubMed 16770791; PubMed 25007885.